The following is an entry in ClinVar:

ClinVar aggregate classification (germline): Uncertain significance (1 of 4 stars; one submission).

Allele frequency attached by ClinVar (database versions not stated): gnomAD exomes below 0.00001.
gnomAD v4.1: 1 of 1,212,207 alleles (0.000082%); highest among the groups gnomAD compares: South Asian, 0.0018%; no homozygotes.

Submission:

Labcorp Genetics (formerly Invitae), Labcorp
Classification: Uncertain significance. Last evaluated: 2023-11-28. Review status: criteria provided, single submitter. Criteria: Invitae Variant Classification Sherloc (09022015). Collection method: clinical testing. Allele origin: germline.
Comment: This sequence change replaces aspartic acid, which is acidic and polar, with glutamic acid, which is acidic and polar, at codon 41 of the TLR7 protein (p.Asp41Glu). This variant is not present in population databases (gnomAD no frequency). This variant has not been reported in the literature in individuals affected with TLR7-related conditions. ClinVar contains an entry for this variant (Variation ID: 2044039). An algorithm developed to predict the effect of missense changes on protein structure and function (PolyPhen-2) suggests that this variant is likely to be tolerated. In summary, the available evidence is currently insufficient to determine the role of this variant in disease. Therefore, it has been classified as a Variant of Uncertain Significance.

NM_016562.4(TLR7):c.123T>G (p.Asp41Glu)

Gene: TLR7 (toll like receptor 7; plus strand). Cytogenetic location: Xp22.2.
Variant type: single nucleotide variant.
Coding change: c.123T>G on transcript NM_016562.4 (MANE Select); coding-DNA position 123, T replaced by G.
Protein change: p.Asp41Glu; replaces aspartic acid 41 with glutamic acid.
Molecular consequence: missense variant.
Genome position (GRCh38, 1-based): chrX:12,885,631, T>G. VCF-style: chrX-12885631-T-G. GRCh37 (hg19) VCF-style: chrX-12903750-T-G.
Other names: short protein forms D41E.
Identifiers: ClinVar variation 2044039 (VCV002044039.4), dbSNP rs757348701, ClinGen allele CA326797071.